The following is an entry in ClinVar:

NM_021800.3(DNAJC12):c.78+2T>C

Gene: DNAJC12 (DnaJ heat shock protein family (Hsp40) member C12; minus strand). Cytogenetic location: 10q21.3.
Variant type: single nucleotide variant.
Coding change: c.78+2T>C on transcript NM_021800.3 (MANE Select); the canonical splice donor site of the intron after coding-DNA position 78, T replaced by C.
Molecular consequence: splice donor variant.
Genome position (GRCh38, 1-based): chr10:67,837,932, A>G on the plus strand (T>C on the coding strand, the complement: DNAJC12 is on the minus strand). VCF-style: chr10-67837932-A-G. GRCh37 (hg19) VCF-style: chr10-69597690-A-G.
Other names: c.78+2T>C (NM_201262.2).
Identifiers: ClinVar variation 1067613 (VCV001067613.7), dbSNP rs2131820258, ClinGen allele CA377100457.

ClinVar aggregate classification (germline): Likely pathogenic (1 of 4 stars; one submission).

Submission:

Labcorp Genetics (formerly Invitae), Labcorp
Classification: Likely pathogenic. Last evaluated: 2022-07-05. Review status: criteria provided, single submitter. Criteria: Invitae Variant Classification Sherloc (09022015). Collection method: clinical testing. Allele origin: germline.
Comment: In summary, the currently available evidence indicates that the variant is pathogenic, but additional data are needed to prove that conclusively. Therefore, this variant has been classified as Likely Pathogenic. Algorithms developed to predict the effect of sequence changes on RNA splicing suggest that this variant may disrupt the consensus splice site. ClinVar contains an entry for this variant (Variation ID: 1067613). This variant has not been reported in the literature in individuals affected with DNAJC12-related conditions. This variant is not present in population databases (gnomAD no frequency). This sequence change affects a donor splice site in intron 1 of the DNAJC12 gene. It is expected to disrupt RNA splicing. Variants that disrupt the donor or acceptor splice site typically lead to a loss of protein function (PMID: 16199547), and loss-of-function variants in DNAJC12 are known to be pathogenic (PMID: 28132689, 28892570).

Literature cited by the submitters: PubMed 16199547; PubMed 28132689; PubMed 28892570.